The following is an entry in ClinVar:

ClinVar aggregate classification (germline): Conflicting classifications of pathogenicity. Review status: criteria provided, conflicting classifications (1 of 4 stars). 3 submissions from 3 submitters: Uncertain significance (1); Likely benign (1). 1 of the submissions does not count toward it. Last evaluated 2025-06-30.

Conditions:
Becker muscular dystrophy (BMD). Also called: Becker Muscular Dystrophy (BMD); MUSCULAR DYSTROPHY, PSEUDOHYPERTROPHIC PROGRESSIVE, BECKER TYPE. Identifiers: Orphanet 98895, MedGen C0917713, MONDO:0010311, OMIM 300376.
Cardiomyopathy (CMYO). Also called: Cardiomyopathies. Identifiers: Orphanet 167848, MedGen C0878544, MONDO:0004994, HP:0001638. Inheritance: Various modes of inheritance.
Dystrophin deficiency.
Duchenne muscular dystrophy (DMD). Also called: Duchenne Muscular Dystrophy (DMD); MUSCULAR DYSTROPHY, PSEUDOHYPERTROPHIC PROGRESSIVE, DUCHENNE TYPE. Identifiers: Orphanet 98896, MedGen C0013264, MONDO:0010679, OMIM 310200.

Allele frequency attached by ClinVar (database versions not stated): TOPMed below 0.00001; gnomAD 0.00001; gnomAD exomes 0.00001; ExAC 0.00002.
gnomAD v4.1: 11 of 1,209,596 alleles (0.00091%); highest among the groups gnomAD compares: Non-Finnish European, 0.0012%; no homozygotes.

Submissions (3):

Labcorp Genetics (formerly Invitae), Labcorp
Classification: Likely benign for Duchenne muscular dystrophy. Last evaluated: 2025-06-30. Review status: criteria provided, single submitter. Criteria: Invitae Variant Classification Sherloc (09022015). Collection method: clinical testing. Allele origin: germline.

CeGaT Center for Human Genetics Tuebingen
Classification: Uncertain significance. Last evaluated: 2024-02-01. Review status: criteria provided, single submitter. Criteria: CeGaT Center For Human Genetics Tuebingen Variant Classification Criteria Version 2. Collection method: clinical testing. Allele origin: germline. Affected: yes. Observed: 1 variant allele.
Comment: DMD: PP3

Natera, Inc.
Classification: Uncertain significance for Becker muscular dystrophy; Cardiomyopathy; Duchenne muscular dystrophy; Dystrophin deficiency. Last evaluated: 2020-04-30. Review status: no assertion criteria provided. Collection method: clinical testing. Allele origin: germline. Not counted in ClinVar's aggregate classification.

NM_004006.3(DMD):c.4505T>G (p.Leu1502Arg)

Gene: DMD (dystrophin; minus strand). Cytogenetic location: Xp21.1.
Variant type: single nucleotide variant.
Coding change: c.4505T>G on transcript NM_004006.3 (MANE Select); coding-DNA position 4505, T replaced by G.
Protein change: p.Leu1502Arg; replaces leucine 1502 with arginine.
Molecular consequence: missense variant.
Genome position (GRCh38, 1-based): chrX:32,389,514, A>C on the plus strand (T>G on the coding strand, the complement: DMD is on the minus strand). VCF-style: chrX-32389514-A-C. GRCh37 (hg19) VCF-style: chrX-32407631-A-C.
Other names: c.4481T>G, p.Leu1494Arg (NM_000109.4); c.4493T>G, p.Leu1498Arg (NM_004009.3); c.4136T>G, p.Leu1379Arg (NM_004010.3); c.482T>G, p.Leu161Arg (NM_004011.4); c.473T>G, p.Leu158Arg (NM_004012.4); short protein forms L1502R, L1379R, L158R, L1494R, L1498R, L161R.
Identifiers: ClinVar variation 570531 (VCV000570531.29), dbSNP rs745462674, ClinGen allele CA10378943.